The following is an entry in ClinVar:

NM_002474.3(MYH11):c.5102G>C (p.Arg1701Thr)

Genes: MYH11 (myosin heavy chain 11; minus strand), NDE1 (nudE neurodevelopment protein 1; plus strand). Cytogenetic location: 16p13.11.
Variant type: single nucleotide variant.
Coding change: c.5102G>C on transcript NM_002474.3 (MANE Select); coding-DNA position 5102, G replaced by C.
Protein change: p.Arg1701Thr; replaces arginine 1701 with threonine.
Molecular consequence: missense variant. On other transcripts: intron variant (2).
Genome position (GRCh38, 1-based): chr16:15,719,289, C>G on the plus strand (G>C on the coding strand, the complement: MYH11 is on the minus strand). VCF-style: chr16-15719289-C-G. GRCh37 (hg19) VCF-style: chr16-15813146-C-G.
Other names: c.5123G>C, p.Arg1708Thr (NM_001040113.2, NM_001040114.2); c.5102G>C, p.Arg1701Thr (NM_022844.3); c.948-4902C>G (NM_001143979.2, NM_017668.3); short protein forms R1701T, R1708T.
Identifiers: ClinVar variation 2625319 (VCV002625319.2), dbSNP rs753777214, ClinGen allele CA394850966.

ClinVar aggregate classification (germline): Uncertain significance (1 of 4 stars; one submission).

Conditions:
Familial thoracic aortic aneurysm and aortic dissection (TAAD). Also called: Thoracic aortic aneurysms and dissections. Identifiers: Orphanet 91387, MedGen C4707243, MONDO:0019625.

Submission:

Ambry Genetics
Classification: Uncertain significance for Familial thoracic aortic aneurysm and aortic dissection. Last evaluated: 2023-06-17. Review status: criteria provided, single submitter. Criteria: Ambry Variant Classification Scheme 2023. Collection method: clinical testing. Allele origin: germline.
Comment: The p.R1701T variant (also known as c.5102G>C), located in coding exon 35 of the MYH11 gene, results from a G to C substitution at nucleotide position 5102. The arginine at codon 1701 is replaced by threonine, an amino acid with similar properties. This amino acid position is conserved. In addition, the in silico prediction for this alteration is inconclusive. Since supporting evidence is limited at this time, the clinical significance of this alteration remains unclear.